The following is an entry in ClinVar:

ClinVar aggregate classification (germline): Uncertain significance (1 of 4 stars; one submission).

gnomAD v4.1: 2 of 1,593,572 alleles (0.00013%); highest among the groups gnomAD compares: Non-Finnish European, 0.00017%; no homozygotes.

Submission:

Labcorp Genetics (formerly Invitae), Labcorp
Classification: Uncertain significance. Last evaluated: 2023-08-17. Review status: criteria provided, single submitter. Criteria: Invitae Variant Classification Sherloc (09022015). Collection method: clinical testing. Allele origin: germline.
Comment: Experimental studies and prediction algorithms are not available or were not evaluated, and the functional significance of this variant is currently unknown. The TCF3 gene has multiple clinically relevant transcripts. This variant occurs in alternate transcript NM_001136139.3, and corresponds to NM_003200.4:c.1823-379G>A in the primary transcript. This sequence change replaces glycine, which is neutral and non-polar, with arginine, which is basic and polar, at codon 598 of the TCF3 protein (p.Gly598Arg). This variant is not present in population databases (gnomAD no frequency). This variant has not been reported in the literature in individuals affected with TCF3-related conditions. Algorithms developed to predict the effect of sequence changes on RNA splicing suggest that this variant is not likely to affect RNA splicing. In summary, the available evidence is currently insufficient to determine the role of this variant in disease. Therefore, it has been classified as a Variant of Uncertain Significance.

NM_001136139.4(TCF3):c.1792G>A (p.Gly598Arg)

Gene: TCF3 (transcription factor 3; minus strand). Cytogenetic location: 19p13.3.
Variant type: single nucleotide variant.
Coding change: c.1792G>A on transcript NM_001136139.4 (MANE Plus Clinical); coding-DNA position 1792, G replaced by A.
Protein change: p.Gly598Arg; replaces glycine 598 with arginine.
Molecular consequence: missense variant. On other transcripts: intron variant (2).
Genome position (GRCh38, 1-based): chr19:1,612,228, C>T on the plus strand (G>A on the coding strand, the complement: TCF3 is on the minus strand). VCF-style: chr19-1612228-C-T. GRCh37 (hg19) VCF-style: chr19-1612227-C-T.
Other names: c.1792G>A, p.Gly598Arg (NM_001351779.2); c.1820-379G>A (NM_001351778.2); c.1823-379G>A (NM_003200.5); short protein forms G598R.
Identifiers: ClinVar variation 2753450 (VCV002753450.3), dbSNP rs2513128387, ClinGen allele CA403048344.